The following is an entry in ClinVar:

NM_001287491.2(TET3):c.1565A>G (p.Gln522Arg)

Gene: TET3 (tet methylcytosine dioxygenase 3; plus strand). Cytogenetic location: 2p13.1.
Variant type: single nucleotide variant.
Coding change: c.1565A>G on transcript NM_001287491.2 (MANE Select); coding-DNA position 1565, A replaced by G.
Protein change: p.Gln522Arg; replaces glutamine 522 with arginine.
Molecular consequence: missense variant.
Genome position (GRCh38, 1-based): chr2:74,047,482, A>G. VCF-style: chr2-74047482-A-G. GRCh37 (hg19) VCF-style: chr2-74274609-A-G.
Other names: c.1286A>G, p.Gln429Arg (NM_001366022.1); c.1160A>G, p.Gln387Arg (NM_144993.1); short protein forms Q387R, Q429R, Q522R.
Identifiers: ClinVar variation 2572270 (VCV002572270.1), dbSNP rs1687698646, ClinGen allele CA347328283.
Genomic context (GRCh38, chr2:74,047,482, plus strand): 5'-CCCCATCCCCTGTACTTCAGAGGGAGGCTCCCACGCCATCCTCGGAGCCCGACACCCACC[A>G]GAAGGCCCAGACCGCCCTGCAGCAGCACCTCCACCACAAGCGCAGCCTCTTCCTAGAACA-3'
Protein context (NP_001274420.1, residues 512-532): PTPSSEPDTH[Gln522Arg]KAQTALQQHL

ClinVar aggregate classification (germline): Uncertain significance (1 of 4 stars; one submission).

Allele frequency attached by ClinVar (database versions not stated): gnomAD 0.00001; TOPMed 0.00002.
gnomAD v4.1: 3 of 1,612,548 alleles (0.00019%); highest among the groups gnomAD compares: African/African-American, 0.0013%; no homozygotes.

Submission:

Greenwood Genetic Center Diagnostic Laboratories, Greenwood Genetic Center
Classification: Uncertain significance. Last evaluated: 2023-04-06. Review status: criteria provided, single submitter. Criteria: ACMG Guidelines, 2015. Collection method: clinical testing. Allele origin: germline. Affected: yes.
Comment: PM2